The following is an entry in ClinVar:

NM_001122752.2(SERPINI1):c.963T>A (p.Asn321Lys)

Gene: SERPINI1 (serpin family I member 1; plus strand). Cytogenetic location: 3q26.1.
Variant type: single nucleotide variant.
Coding change: c.963T>A on transcript NM_001122752.2 (MANE Select); coding-DNA position 963, T replaced by A.
Protein change: p.Asn321Lys; replaces asparagine 321 with lysine.
Molecular consequence: missense variant.
Genome position (GRCh38, 1-based): chr3:167,807,325, T>A. VCF-style: chr3-167807325-T-A. GRCh37 (hg19) VCF-style: chr3-167525113-T-A.
Other names: c.963T>A, p.Asn321Lys (NM_005025.5); short protein forms N321K.
Identifiers: ClinVar variation 1039088 (VCV001039088.8), dbSNP rs1711682663, ClinGen allele CA355157543.
Genomic context (GRCh38, chr3:167,807,325, plus strand): 5'-TGATTTAAAAGATGTTTTGAAGGCTCTTGGAATAACTGAAATTTTCATCAAAGATGCAAA[T>A]TTGACAGGCCTCTCTGGTAAGAAATAAACACAAATTTTTAAAAATGTTATTCCATAAGAG-3'
Protein context (NP_001116224.1, residues 311-331): GITEIFIKDA[Asn321Lys]LTGLSDNKEI

ClinVar aggregate classification (germline): Uncertain significance (1 of 4 stars; one submission).

Conditions:
Familial encephalopathy with neuroserpin inclusion bodies. Also called: ENCEPHALOPATHY, FAMILIAL, WITH COLLINS BODIES. Identifiers: Orphanet 85110, MedGen C1858680, MONDO:0011412, OMIM 604218.

Submission:

Labcorp Genetics (formerly Invitae), Labcorp
Classification: Uncertain significance for Familial encephalopathy with neuroserpin inclusion bodies. Last evaluated: 2020-04-26. Review status: criteria provided, single submitter. Criteria: Invitae Variant Classification Sherloc (09022015). Collection method: clinical testing. Allele origin: germline.
Comment: This sequence change replaces asparagine with lysine at codon 321 of the SERPINI1 protein (p.Asn321Lys). The asparagine residue is moderately conserved and there is a moderate physicochemical difference between asparagine and lysine. In summary, the available evidence is currently insufficient to determine the role of this variant in disease. Therefore, it has been classified as a Variant of Uncertain Significance. Algorithms developed to predict the effect of missense changes on protein structure and function are either unavailable or do not agree on the potential impact of this missense change (SIFT: "Deleterious"; PolyPhen-2: "Benign"; Align-GVGD: "Class C35"). This variant has not been reported in the literature in individuals with SERPINI1-related conditions. This variant is not present in population databases (ExAC no frequency).